The following is an entry in ClinVar:

NM_001739.2(CA5A):c.387T>G (p.Phe129Leu)

Gene: CA5A (carbonic anhydrase 5A; minus strand). Cytogenetic location: 16q24.2.
Variant type: single nucleotide variant.
Coding change: c.387T>G on transcript NM_001739.2 (MANE Select); coding-DNA position 387, T replaced by G.
Protein change: p.Phe129Leu; replaces phenylalanine 129 with leucine.
Molecular consequence: missense variant. On other transcripts: non-coding transcript variant (1).
Genome position (GRCh38, 1-based): chr16:87,904,858, A>C on the plus strand (T>G on the coding strand, the complement: CA5A is on the minus strand). VCF-style: chr16-87904858-A-C. GRCh37 (hg19) VCF-style: chr16-87938464-A-C.
Other names: c.387T>G, p.Phe129Leu (NM_001367225.1); short protein forms F129L.
Identifiers: ClinVar variation 1950108 (VCV001950108.5), dbSNP rs749994565, ClinGen allele CA8223514.

ClinVar aggregate classification (germline): Uncertain significance (1 of 4 stars; one submission).

Conditions:
Hyperammonemic encephalopathy due to carbonic anhydrase VA deficiency. Also called: Carbonic Anhydrase VA Deficiency; Carbonic anhydrase VA deficiency, hyperammonemia due to. Identifiers: Orphanet 401948, MedGen C4706871, MONDO:0014332, OMIM 615751.

Allele frequency attached by ClinVar (database versions not stated): gnomAD exomes below 0.00001; ExAC 0.00001.
gnomAD v4.1: 2 of 1,613,540 alleles (0.00012%); highest among the groups gnomAD compares: Admixed American, 0.0033%; no homozygotes.

Submission:

Labcorp Genetics (formerly Invitae), Labcorp
Classification: Uncertain significance for Hyperammonemic encephalopathy due to carbonic anhydrase VA deficiency. Last evaluated: 2022-08-03. Review status: criteria provided, single submitter. Criteria: Invitae Variant Classification Sherloc (09022015). Collection method: clinical testing. Allele origin: germline.
Comment: In summary, the available evidence is currently insufficient to determine the role of this variant in disease. Therefore, it has been classified as a Variant of Uncertain Significance. Algorithms developed to predict the effect of missense changes on protein structure and function are either unavailable or do not agree on the potential impact of this missense change (SIFT: "Deleterious"; PolyPhen-2: "Possibly Damaging"; Align-GVGD: "Class C15"). This variant has not been reported in the literature in individuals affected with CA5A-related conditions. This variant is present in population databases (rs749994565, gnomAD 0.003%). This sequence change replaces phenylalanine, which is neutral and non-polar, with leucine, which is neutral and non-polar, at codon 129 of the CA5A protein (p.Phe129Leu).